The following is an entry in ClinVar:

ClinVar aggregate classification (germline): Uncertain significance. Review status: criteria provided, multiple submitters, no conflicts (2 of 4 stars). 2 submissions from 2 submitters: Uncertain significance (2). Last evaluated 2024-02-17.

Conditions:
Epidermolysis bullosa simplex 3, localized or generalized intermediate, with BP230 deficiency (EBS3). Also called: Epidermolysis bullosa simplex, autosomal recessive 2; Epidermolysis bullosa simplex due to BP230 deficiency. Identifiers: Orphanet 412181, MedGen C3809470, MONDO:0014180, OMIM 615425.
Hereditary sensory and autonomic neuropathy type 6. Also called: HSAN VI; Neuropathy, hereditary sensory and autonomic, type VI. Identifiers: Orphanet 314381, MedGen C3539003, MONDO:0013839, OMIM 614653.

Allele frequency attached by ClinVar (database versions not stated): gnomAD exomes below 0.00001.
gnomAD v4.1: 2 of 1,613,482 alleles (0.00012%); highest among the groups gnomAD compares: Non-Finnish European, 0.00017%; no homozygotes.

Submissions (2):

Labcorp Genetics (formerly Invitae), Labcorp
Classification: Uncertain significance for Epidermolysis bullosa simplex 3, localized or generalized intermediate, with BP230 deficiency; Hereditary sensory and autonomic neuropathy type 6. Last evaluated: 2024-02-17. Review status: criteria provided, single submitter. Criteria: Invitae Variant Classification Sherloc (09022015). Collection method: clinical testing. Allele origin: germline.
Comment: This sequence change replaces isoleucine, which is neutral and non-polar, with valine, which is neutral and non-polar, at codon 743 of the DST protein (p.Ile743Val). This variant is present in population databases (no rsID available, gnomAD 0.0009%). This variant has not been reported in the literature in individuals affected with DST-related conditions. ClinVar contains an entry for this variant (Variation ID: 1002603). An algorithm developed to predict the effect of missense changes on protein structure and function (PolyPhen-2) suggests that this variant is likely to be tolerated. In summary, the available evidence is currently insufficient to determine the role of this variant in disease. Therefore, it has been classified as a Variant of Uncertain Significance.

Breakthrough Genomics
Classification: Uncertain significance. Review status: criteria provided, single submitter. Criteria: ACMG Guidelines, 2015. Collection method: not provided. Allele origin: germline. Inheritance: Autosomal recessive inheritance. Affected: yes.

NM_001374736.1(DST):c.3838A>G (p.Ile1280Val)

Gene: DST (dystonin; minus strand). Cytogenetic location: 6p12.1.
Variant type: single nucleotide variant.
Coding change: c.3838A>G on transcript NM_001374736.1 (MANE Select); coding-DNA position 3838, A replaced by G.
Protein change: p.Ile1280Val; replaces isoleucine 1280 with valine.
Molecular consequence: missense variant.
Genome position (GRCh38, 1-based): chr6:56,632,008, T>C on the plus strand (A>G on the coding strand, the complement: DST is on the minus strand). VCF-style: chr6-56632008-T-C. GRCh37 (hg19) VCF-style: chr6-56496806-T-C.
Other names: c.3739A>G, p.Ile1247Val (NM_001144769.5); c.3325A>G, p.Ile1109Val (NM_001144770.2); c.3838A>G, p.Ile1280Val (NM_001374722.1); c.3205A>G, p.Ile1069Val (NM_001374729.1, NM_001374730.1, NM_001386100.1 and 1 more transcripts); c.3865A>G, p.Ile1289Val (NM_001374734.1); c.2227A>G, p.Ile743Val (NM_001723.7, NM_015548.5); short protein forms I1069V, I1109V, I1247V, I1280V, I1289V, I743V.
Identifiers: ClinVar variation 1002603 (VCV001002603.10), dbSNP rs1429684544, ClinGen allele CA364575005.